The following is an entry in ClinVar:

NM_000219.6(KCNE1):c.307T>G (p.Tyr103Asp)

Gene: KCNE1 (potassium voltage-gated channel subfamily E regulatory subunit 1; minus strand). Cytogenetic location: 21q22.12.
Variant type: single nucleotide variant.
Coding change: c.307T>G on transcript NM_000219.6 (MANE Select); coding-DNA position 307, T replaced by G.
Protein change: p.Tyr103Asp; replaces tyrosine 103 with aspartic acid.
Molecular consequence: missense variant.
Genome position (GRCh38, 1-based): chr21:34,449,328, A>C on the plus strand (T>G on the coding strand, the complement: KCNE1 is on the minus strand). VCF-style: chr21-34449328-A-C. GRCh37 (hg19) VCF-style: chr21-35821626-A-C.
Other names: c.307T>G, p.Tyr103Asp (NM_001127668.4, NM_001127669.4, NM_001127670.4 and 4 more transcripts); short protein forms Y103D.
Identifiers: ClinVar variation 3374594 (VCV003374594.2).

Conditions:
Long QT syndrome 5 (LQT5). Identifiers: Orphanet 101016, Orphanet 768, MedGen C1867904, MONDO:0013372, OMIM 613695.

Submission:

Roden Lab, Vanderbilt University Medical Center
No classification provided (evidence only). Condition: Long QT syndrome 5. Review status: no classification provided. Collection method: in vitro. Allele origin: not applicable. Functional consequence: Effect on ion channel function.
ClinVar note: "not provided" was previously submitted as the classification for the variant. However, the classification appeared to be based only on an observation of functional data so it was converted to no classification on 2025-07-30.